The following is an entry in ClinVar:

ClinVar aggregate classification (germline): Uncertain significance. Review status: criteria provided, multiple submitters, no conflicts (2 of 4 stars). 2 submissions from 2 submitters: Uncertain significance (2). Last evaluated 2025-06-04.

Conditions:
Developmental and epileptic encephalopathy, 9 (DEE9). Also called: EPILEPSY, FEMALE-RESTRICTED, WITH MENTAL RETARDATION; Early infantile epileptic encephalopathy 9; PCDH19-Related X-Linked Female-Limited Epilepsy with Mental Retardation; JUBERG-HELLMAN SYNDROME. Identifiers: Orphanet 101039, Orphanet 2076, MedGen C1848137, MONDO:0010246, OMIM 300088. Disease mechanism: loss of function.

Allele frequency attached by ClinVar (database versions not stated): gnomAD 0.00001; gnomAD exomes below 0.00001.
gnomAD v4.1: 2 of 1,206,567 alleles (0.00017%); highest among the groups gnomAD compares: African/African-American, 0.0018%; no homozygotes.

Submissions (2):

Labcorp Genetics (formerly Invitae), Labcorp
Classification: Uncertain significance for Developmental and epileptic encephalopathy, 9. Last evaluated: 2025-06-04. Review status: criteria provided, single submitter. Criteria: Invitae Variant Classification Sherloc (09022015). Collection method: clinical testing. Allele origin: germline.
Comment: This sequence change replaces leucine, which is neutral and non-polar, with isoleucine, which is neutral and non-polar, at codon 759 of the PCDH19 protein (p.Leu759Ile). This variant is not present in population databases (gnomAD no frequency). This variant has not been reported in the literature in individuals affected with PCDH19-related conditions. ClinVar contains an entry for this variant (Variation ID: 2571796). Invitae Evidence Modeling of protein sequence and biophysical properties (such as structural, functional, and spatial information, amino acid conservation, physicochemical variation, residue mobility, and thermodynamic stability) indicates that this missense variant is not expected to disrupt PCDH19 protein function with a negative predictive value of 95%. In summary, the available evidence is currently insufficient to determine the role of this variant in disease. Therefore, it has been classified as a Variant of Uncertain Significance.

GeneDx
Classification: Uncertain significance. Last evaluated: 2023-07-06. Review status: criteria provided, single submitter. Criteria: GeneDx Variant Classification Process June 2021. Collection method: clinical testing. Allele origin: germline. Affected: yes.
Comment: Not observed at significant frequency in large population cohorts (gnomAD); Missense variants in this gene are often considered pathogenic (HGMD); In silico analysis supports that this missense variant does not alter protein structure/function; Has not been previously published as pathogenic or benign to our knowledge

NM_001184880.2(PCDH19):c.2275C>A (p.Leu759Ile)

Genes: PCDH19 (protocadherin 19; minus strand), LOC125467768 (CDK7 strongly-dependent group 2 enhancer GRCh37_chrX:99657381-99658580; plus strand). Cytogenetic location: Xq22.1.
Variant type: single nucleotide variant.
Coding change: c.2275C>A on transcript NM_001184880.2 (MANE Select); coding-DNA position 2275, C replaced by A.
Protein change: p.Leu759Ile; replaces leucine 759 with isoleucine.
Molecular consequence: missense variant. On other transcripts: intron variant (2).
Genome position (GRCh38, 1-based): chrX:100,403,537, G>T on the plus strand (C>A on the coding strand, the complement: PCDH19 is on the minus strand). VCF-style: chrX-100403537-G-T. GRCh37 (hg19) VCF-style: chrX-99658535-G-T.
Other names: c.2148-686C>A (NM_020766.3, NM_001105243.2); short protein forms L759I.
Identifiers: ClinVar variation 2571796 (VCV002571796.3), dbSNP rs1342060767, ClinGen allele CA414006606.
Genomic context (GRCh38, chrX:100,403,537, plus strand): 5'-AAATCTAATAGCCAAACCCATTTAAATGAGGGGAAATGCCTTTTTACCTCTTTCCCCTTA[G>T]GCTCACTTTCTCCTCTGTCTTTTTGTCTTGCTCCTCGCTAATGGGAGAAACCGAGATGCA-3'
Protein context (NP_001171809.1, residues 749-769): QDKKTEEKVS[Leu759Ile]RGKRIAEYSY